The following is an entry in ClinVar:

NM_000427.3(LORICRIN):c.76GGC[6] (p.Gly28_Ser29insGlyGlyGly)

Gene: LORICRIN (loricrin cornified envelope precursor protein; plus strand). Cytogenetic location: 1q21.3.
Variant type: Microsatellite.
Coding change: c.76GGC[6] on transcript NM_000427.3 (MANE Select); six copies in a row of the 3-base unit GGC starting at c.76; the reference has three copies in a row; three copies, 9 bases duplicated.
Protein change: p.Gly28_Ser29insGlyGlyGly.
Molecular consequence: inframe insertion.
Genome position (GRCh38, 1-based): chr1:153,261,025-153,261,033, GGCGGCGGC duplicated. VCF-style (leftmost placement, unchanged base first): chr1-153261024-T-TGGCGGCGGC. GRCh37 (hg19) VCF-style: chr1-153233500-T-TGGCGGCGGC.
Identifiers: ClinVar variation 2418200 (VCV002418200.6), dbSNP rs757090306, ClinGen allele CA2580611494.

ClinVar aggregate classification (germline): Uncertain significance (1 of 4 stars; one submission).

Submission:

Labcorp Genetics (formerly Invitae), Labcorp
Classification: Uncertain significance. Last evaluated: 2023-01-05. Review status: criteria provided, single submitter. Criteria: Invitae Variant Classification Sherloc (09022015). Collection method: clinical testing. Allele origin: germline.
Comment: Experimental studies and prediction algorithms are not available or were not evaluated, and the functional significance of this variant is currently unknown. In summary, the available evidence is currently insufficient to determine the role of this variant in disease. Therefore, it has been classified as a Variant of Uncertain Significance. This variant has not been reported in the literature in individuals affected with LOR-related conditions. This variant is not present in population databases (gnomAD no frequency). This variant, c.76_84dup, results in the insertion of 3 amino acid(s) of the LOR protein (p.Gly26_Gly28dup), but otherwise preserves the integrity of the reading frame.